The following is an entry in ClinVar:

ClinVar aggregate classification (germline): Pathogenic (1 of 4 stars; one submission).

Conditions:
RYR1-related disorder. Also called: RYR1-related disorders; RYR1-related condition. Identifiers: MedGen CN239331.

Submission:

Labcorp Genetics (formerly Invitae), Labcorp
Classification: Pathogenic for RYR1-related disorder. Last evaluated: 2019-03-04. Review status: criteria provided, single submitter. Criteria: Invitae Variant Classification Sherloc (09022015). Collection method: clinical testing. Allele origin: germline.
Comment: For these reasons, this variant has been classified as Pathogenic. Loss-of-function variants in RYR1 are known to be pathogenic (PMID: 20583297, 20839240, 23919265, 28818389). This variant has not been reported in the literature in individuals with RYR1-related conditions. This variant is not present in population databases (ExAC no frequency). This sequence change creates a premature translational stop signal (p.Leu3654Trpfs*10) in the RYR1 gene. It is expected to result in an absent or disrupted protein product.

Literature cited by the submitters: PubMed 20583297; PubMed 20839240; PubMed 23919265; PubMed 28818389.

NM_000540.3(RYR1):c.10960del (p.Leu3654fs)

Gene: RYR1 (ryanodine receptor 1; plus strand). Cytogenetic location: 19q13.2.
Variant type: Deletion.
Coding change: c.10960del on transcript NM_000540.3 (MANE Select); coding-DNA position 10960, one base deleted (C; older notation c.10960delC).
Protein change: p.Leu3654fs; shifts the reading frame from leucine 3654.
Molecular consequence: frameshift variant.
Genome position (GRCh38, 1-based): chr19:38,528,621, C deleted; the last of 2 consecutive C bases (chr19:38,528,620-38,528,621); deleting either gives the same sequence. VCF-style (leftmost placement, unchanged base first): chr19-38528619-TC-T. GRCh37 (hg19) VCF-style: chr19-39019259-TC-T.
Other names: c.10945del, p.Leu3649fs (NM_001042723.2); short protein forms L3649fs, L3654fs.
Identifiers: ClinVar variation 845438 (VCV000845438.7), dbSNP rs1971589827, ClinGen allele CA916082466.